The following is an entry in ClinVar:

NM_000535.7(PMS2):c.1098T>A (p.Asp366Glu)

Gene: PMS2 (PMS1 homolog 2, mismatch repair system component; minus strand). Cytogenetic location: 7p22.1.
Variant type: single nucleotide variant.
Coding change: c.1098T>A on transcript NM_000535.7 (MANE Select); coding-DNA position 1098, T replaced by A.
Protein change: p.Asp366Glu; replaces aspartic acid 366 with glutamic acid.
Molecular consequence: missense variant. On other transcripts: intron variant (10), non-coding transcript variant (1).
Genome position (GRCh38, 1-based): chr7:5,989,846, A>T on the plus strand (T>A on the coding strand, the complement: PMS2 is on the minus strand). VCF-style: chr7-5989846-A-T. GRCh37 (hg19) VCF-style: chr7-6029477-A-T.
Other names: c.900T>A, p.Asp300Glu (NM_001406873.1); c.930T>A, p.Asp310Glu (NM_001406874.1); c.789T>A, p.Asp263Glu (NM_001406875.1, NM_001406877.1, NM_001406878.1 and 5 more transcripts); c.780T>A, p.Asp260Glu (NM_001406876.1, NM_001406903.1, NM_001322007.2 and 2 more transcripts); c.693T>A, p.Asp231Glu (NM_001406893.1, NM_001406894.1, NM_001406895.1 and 16 more transcripts); c.585T>A, p.Asp195Glu (NM_001406904.1, NM_001406905.1); c.820+2127T>A (NM_001406884.1); c.804-6855T>A (NM_001406912.1); and 13 more; short protein forms D195E, D231E, D244E, D374E, D300E, D366E, D175E, D254E.
Identifiers: ClinVar variation 3935150 (VCV003935150.1).

ClinVar aggregate classification (germline): Uncertain significance (1 of 4 stars; one submission).

Conditions:
Hereditary cancer-predisposing syndrome. Also called: Tumor predisposition; Hereditary neoplastic syndrome; Hereditary Cancer Syndrome; Neoplastic Syndromes, Hereditary. Identifiers: Orphanet 140162, MedGen C0027672, MeSH D009386, MONDO:0015356.

Submission:

Ambry Genetics
Classification: Uncertain significance for Hereditary cancer-predisposing syndrome. Last evaluated: 2025-05-23. Review status: criteria provided, single submitter. Criteria: Ambry Variant Classification Scheme 2023. Collection method: clinical testing. Allele origin: germline.
Comment: The p.D366E variant (also known as c.1098T>A), located in coding exon 10 of the PMS2 gene, results from a T to A substitution at nucleotide position 1098. The aspartic acid at codon 366 is replaced by glutamic acid, an amino acid with highly similar properties. This amino acid position is not well conserved in available vertebrate species. In addition, this alteration is predicted to be tolerated by in silico analysis. Based on the available evidence, the clinical significance of this variant remains unclear.